The following is an entry in ClinVar:

NM_004360.5(CDH1):c.2428T>C (p.Phe810Leu)

Gene: CDH1 (cadherin 1; plus strand). Cytogenetic location: 16q22.1.
Variant type: single nucleotide variant.
Coding change: c.2428T>C on transcript NM_004360.5 (MANE Select); coding-DNA position 2428, T replaced by C.
Protein change: p.Phe810Leu; replaces phenylalanine 810 with leucine.
Molecular consequence: missense variant.
Genome position (GRCh38, 1-based): chr16:68,829,786, T>C. VCF-style: chr16-68829786-T-C. GRCh37 (hg19) VCF-style: chr16-68863689-T-C.
Other names: c.2428T>C (LRG_301t1); c.2245T>C, p.Phe749Leu (NM_001317184.2); c.880T>C, p.Phe294Leu (NM_001317185.2); c.463T>C, p.Phe155Leu (NM_001317186.2); short protein forms F810L, F749L, F155L, F294L.
Identifiers: ClinVar variation 569129 (VCV000569129.9), dbSNP rs1178559383, ClinGen allele CA396471341.

ClinVar aggregate classification (germline): Uncertain significance (1 of 4 stars; one submission).

Conditions:
Hereditary diffuse gastric adenocarcinoma (HDGC). Also called: DIFFUSE GASTRIC AND LOBULAR BREAST CANCER SYNDROME. Identifiers: Orphanet 26106, MedGen C1708349, MONDO:0007648, OMIM 137215.

Allele frequency attached by ClinVar (database versions not stated): gnomAD exomes below 0.00001.
gnomAD v4.1: 1 of 1,613,874 alleles (0.000062%); highest among the groups gnomAD compares: Non-Finnish European, 0.000085%; no homozygotes.

Submission:

Labcorp Genetics (formerly Invitae), Labcorp
Classification: Uncertain significance for Hereditary diffuse gastric adenocarcinoma. Last evaluated: 2024-06-06. Review status: criteria provided, single submitter. Criteria: Invitae Variant Classification Sherloc (09022015). Collection method: clinical testing. Allele origin: germline.
Comment: This sequence change replaces phenylalanine, which is neutral and non-polar, with leucine, which is neutral and non-polar, at codon 810 of the CDH1 protein (p.Phe810Leu). This variant is present in population databases (no rsID available, gnomAD 0.0009%). This variant has not been reported in the literature in individuals affected with CDH1-related conditions. ClinVar contains an entry for this variant (Variation ID: 569129). An algorithm developed to predict the effect of missense changes on protein structure and function (PolyPhen-2) suggests that this variant is likely to be disruptive. In summary, the available evidence is currently insufficient to determine the role of this variant in disease. Therefore, it has been classified as a Variant of Uncertain Significance.